The following is an entry in ClinVar:

ClinVar aggregate classification (germline): Uncertain significance. Review status: criteria provided, single submitter (1 of 4 stars). 3 submissions from 2 submitters: Uncertain significance (1). 2 of the submissions do not count toward it. Last evaluated 2026-09-08.

Conditions:
Fabry disease. Also called: ALPHA-GALACTOSIDASE A DEFICIENCY; ANDERSON-FABRY DISEASE; CERAMIDE TRIHEXOSIDASE DEFICIENCY; Fabry's disease; Angiokeratoma corporis diffusum; Ceramide trihexosidosis. Identifiers: Orphanet 324, MedGen C0002986, MONDO:0010526, OMIM 301500, HP:0001071. Disease mechanism: loss of function, Fabry disease is due to inactivating mutations in the X-linked GLA gene resulting in deficiency of the enzyme Alpha Galactosidase-A..
Migalastat response. Also called: 1-Deoxygalactonojirimycin response; Galafold response. Identifiers: MedGen CN233149.

Submissions (3):

Genomenon, Inc
Classification: Uncertain significance for Fabry disease. Last evaluated: 2026-09-08. Review status: criteria provided, single submitter. Criteria: Genomenon Sequence Variant Interpretation Standards - Updated. Collection method: curation. Allele origin: germline. Affected: no.
Comment: GLA p.Leu3Val (c.7C>G) is a missense variant that changes the amino acid at codon 3 from Leucine to Valine. This variant has been reported in the published literature (PMID:26415523). It is absent or not present at a significant frequency in gnomAD. In silico models predict that this variant is not damaging. In conclusion, we classify GLA p.Leu3Val (c.7C>G) as a variant of uncertain significance.

Albrecht-Kossel-Institute, Medical University Rostock
Classification: Uncertain significance for Fabry's disease. Last evaluated: 2014-01-01. Review status: no assertion criteria provided. Collection method: research. Allele origin: inherited. Not counted in ClinVar's aggregate classification.

Albrecht-Kossel-Institute, Medical University Rostock
Classification: drug response for deoxygalactonojirimycin response. Last evaluated: 2014-01-01. Review status: no assertion criteria provided. Collection method: research. Allele origin: inherited. Not counted in ClinVar's aggregate classification.

Literature cited by the submitters: PubMed 26415523 (cited by Genomenon, Inc and Albrecht-Kossel-Institute, Medical University Rostock).

NM_000169.3(GLA):c.7C>G (p.Leu3Val)

Genes: GLA (galactosidase alpha; minus strand), RPL36A-HNRNPH2 (RPL36A-HNRNPH2 readthrough; plus strand). Cytogenetic location: Xq22.1.
Variant type: single nucleotide variant.
Coding change: c.7C>G on transcript NM_000169.3 (MANE Select); coding-DNA position 7, C replaced by G.
Protein change: p.Leu3Val; replaces leucine 3 with valine.
Molecular consequence: missense variant. On other transcripts: non-coding transcript variant (3), intron variant (2).
Genome position (GRCh38, 1-based): chrX:101,407,897, G>C on the plus strand (C>G on the coding strand, the complement: GLA is on the minus strand). VCF-style: chrX-101407897-G-C. GRCh37 (hg19) VCF-style: chrX-100662885-G-C.
Other names: c.7C>G, p.Leu3Val (NM_001406747.1, NM_001406748.1, NM_001406749.1); c.301-4039G>C (NM_001199973.2); c.178-4039G>C (NM_001199974.2); short protein forms L3V.
Identifiers: ClinVar variation 217372 (VCV000217372.3), dbSNP rs869312133, ClinGen allele CA353175.